The following is an entry in ClinVar:

ClinVar aggregate classification (germline): Uncertain significance (1 of 4 stars; one submission).

Allele frequency attached by ClinVar (database versions not stated): TOPMed 0.00002 and 0.00001.
gnomAD v4.1: 6 of 1,612,434 alleles (0.00037%); highest among the groups gnomAD compares: African/African-American, 0.0013%; no homozygotes.

Submission:

GeneDx
Classification: Uncertain significance. Last evaluated: 2017-08-28. Review status: criteria provided, single submitter. Criteria: GeneDx Variant Classification (06012015). Collection method: clinical testing. Allele origin: germline. Affected: yes.
Comment: The R1783W variant in the NOTCH1 gene has not been reported previously as a pathogenic variant, nor as a benign variant, to our knowledge. This variant is not observed in large population cohorts (Lek et al., 2016; 1000 Genomes Consortium et al., 2015; Exome Variant Server). The R1783W variant is a non-conservative amino acid substitution, which is likely to impact secondary protein structure as these residues differ in polarity, charge, size and/or other properties. In addition, this substitution occurs at a position that is conserved across species, and in silico analysis predicts this variant is probably damaging to the protein structure/function. We interpret R1783W as a variant of uncertain significance.

NM_017617.5(NOTCH1):c.5347C>T (p.Arg1783Trp)

Gene: NOTCH1 (notch receptor 1; minus strand). Cytogenetic location: 9q34.3.
Variant type: single nucleotide variant.
Coding change: c.5347C>T on transcript NM_017617.5 (MANE Select); coding-DNA position 5347, C replaced by T.
Protein change: p.Arg1783Trp; replaces arginine 1783 with tryptophan.
Molecular consequence: missense variant.
Genome position (GRCh38, 1-based): chr9:136,502,309, G>A on the plus strand (C>T on the coding strand, the complement: NOTCH1 is on the minus strand). VCF-style: chr9-136502309-G-A. GRCh37 (hg19) VCF-style: chr9-139396761-G-A.
Other names: c.5347C>T, p.Arg1783Trp (LRG_1122t1); short protein forms R1783W.
Identifiers: ClinVar variation 451533 (VCV000451533.2), dbSNP rs528703507, ClinGen allele CA375640431.